The following is an entry in ClinVar:

NM_001303256.3(MORC2):c.2018C>G (p.Ala673Gly)

Gene: MORC2 (MORC family CW-type zinc finger 2; minus strand). Cytogenetic location: 22q12.2.
Variant type: single nucleotide variant.
Coding change: c.2018C>G on transcript NM_001303256.3 (MANE Select); coding-DNA position 2018, C replaced by G.
Protein change: p.Ala673Gly; replaces alanine 673 with glycine.
Molecular consequence: missense variant.
Genome position (GRCh38, 1-based): chr22:30,934,956, G>C on the plus strand (C>G on the coding strand, the complement: MORC2 is on the minus strand). VCF-style: chr22-30934956-G-C. GRCh37 (hg19) VCF-style: chr22-31330943-G-C.
Other names: c.2018C>G, p.Ala673Gly (NM_001303257.2); c.1832C>G, p.Ala611Gly (NM_014941.3); short protein forms A611G, A673G.
Identifiers: ClinVar variation 568264 (VCV000568264.8), dbSNP rs778099643, ClinGen allele CA10186788.

ClinVar aggregate classification (germline): Uncertain significance (1 of 4 stars; one submission).

Conditions:
Charcot-Marie-Tooth disease axonal type 2Z. Also called: CHARCOT-MARIE-TOOTH DISEASE, AXONAL, AUTOSOMAL DOMINANT, TYPE 2Z; CHARCOT-MARIE-TOOTH NEUROPATHY, TYPE 2Z. Identifiers: Orphanet 466768, MedGen C5569025, MONDO:0014736, OMIM 616688.

Allele frequency attached by ClinVar (database versions not stated): ExAC 0.00002; gnomAD exomes 0.00002.
gnomAD v4.1: 5 of 1,614,142 alleles (0.00031%); highest among the groups gnomAD compares: East Asian, 0.0089%; no homozygotes.

Submission:

Labcorp Genetics (formerly Invitae), Labcorp
Classification: Uncertain significance for Charcot-Marie-Tooth disease axonal type 2Z. Last evaluated: 2018-07-07. Review status: criteria provided, single submitter. Criteria: Invitae Variant Classification Sherloc (09022015). Collection method: clinical testing. Allele origin: germline.
Comment: In summary, the available evidence is currently insufficient to determine the role of this variant in disease. Therefore, it has been classified as a Variant of Uncertain Significance. Algorithms developed to predict the effect of missense changes on protein structure and function (SIFT, PolyPhen-2, Align-GVGD) all suggest that this variant is likely to be tolerated, but these predictions have not been confirmed by published functional studies and their clinical significance is uncertain. This variant has not been reported in the literature in individuals with MORC2-related disease. This variant is present in population databases (rs778099643, ExAC 0.02%). This sequence change replaces alanine with glycine at codon 611 of the MORC2 protein (p.Ala611Gly). The alanine residue is weakly conserved and there is a small physicochemical difference between alanine and glycine.